The following is an entry in ClinVar:

ClinVar aggregate classification (germline): Benign/Likely benign. Review status: criteria provided, multiple submitters, no conflicts (2 of 4 stars). 5 submissions from 5 submitters: Benign (2); Likely benign (3). Last evaluated 2025-12-23.

Allele frequency attached by ClinVar (database versions not stated): ExAC 0.00040; gnomAD 0.00080; TOPMed 0.00088; ESP Exome Variant Server 0.00111; 1000 Genomes Project 30x 0.00125; 1000 Genomes Project 0.00140.
gnomAD v4.1: 478 of 1,613,666 alleles (0.03%); highest among the groups gnomAD compares: African/African-American, 0.31%; 4 homozygotes.

Submissions (5):

Labcorp Genetics (formerly Invitae), Labcorp
Classification: Benign. Last evaluated: 2025-12-23. Review status: criteria provided, single submitter. Criteria: Invitae Variant Classification Sherloc (09022015). Collection method: clinical testing. Allele origin: germline.

Women's Health and Genetics/Laboratory Corporation of America, LabCorp
Classification: Likely benign. Last evaluated: 2024-07-23. Review status: criteria provided, single submitter. Criteria: LabCorp Variant Classification Summary - May 2015. Collection method: clinical testing. Allele origin: germline.

Blueprint Genetics
Classification: Likely benign. Last evaluated: 2024-06-27. Review status: criteria provided, single submitter. Criteria: ACMG Guidelines, 2015. Collection method: clinical testing. Allele origin: germline.

CeGaT Center for Human Genetics Tuebingen
Classification: Likely benign. Last evaluated: 2024-02-01. Review status: criteria provided, single submitter. Criteria: CeGaT Center For Human Genetics Tuebingen Variant Classification Criteria Version 2. Collection method: clinical testing. Allele origin: germline. Affected: yes. Observed: 1 variant allele.
Comment: TBCD: BP4, BP7

Breakthrough Genomics
Classification: Benign. Review status: criteria provided, single submitter. Criteria: ACMG Guidelines, 2015. Collection method: not provided. Allele origin: germline. Inheritance: Autosomal recessive inheritance. Affected: yes.

NM_005993.5(TBCD):c.1047C>T (p.Asp349=)

Gene: TBCD (tubulin folding cofactor D). Cytogenetic location: 17q25.3.
Variant type: single nucleotide variant.
Coding change: c.1047C>T on transcript NM_005993.5 (MANE Select); coding-DNA position 1047, C replaced by T.
Protein change: p.Asp349=; no amino-acid change (aspartic acid 349 retained).
Molecular consequence: synonymous variant.
Genome position (GRCh38, 1-based): chr17:82,805,971, C>T. VCF-style: chr17-82805971-C-T. GRCh37 (hg19) VCF-style: chr17-80763847-C-T.
Identifiers: ClinVar variation 747217 (VCV000747217.34), dbSNP rs139258497, ClinGen allele CA8861857.